The following is an entry in ClinVar:

NM_005391.5(PDK3):c.320+10G>A

Gene: PDK3 (pyruvate dehydrogenase kinase 3; plus strand). Cytogenetic location: Xp22.11.
Variant type: single nucleotide variant.
Coding change: c.320+10G>A on transcript NM_005391.5 (MANE Select); 10 bases into the intron after coding-DNA position 320, G replaced by A.
Molecular consequence: intron variant.
Genome position (GRCh38, 1-based): chrX:24,498,910, G>A. VCF-style: chrX-24498910-G-A. GRCh37 (hg19) VCF-style: chrX-24517027-G-A.
Other names: c.320+10G>A (NM_001142386.3).
Identifiers: ClinVar variation 4993097 (VCV004993097.1).
Genomic context (GRCh38, chrX:24,498,910, plus strand): 5'-ACTTTTAGAATATGAAAATAAGAGCCCTGAGGATCCACAGGTCTTGGATAAGTAAGTATG[G>A]TACCACTTAGCTGAAAGTAAAAATATCTAGGTAAGAAAGATTTTGGTAAATGTAATTCAA-3'

ClinVar aggregate classification (germline): Likely benign (1 of 4 stars; one submission).

Conditions:
PDK3-related disorder. Also called: PDK3-related condition.

Submission:

PreventionGenetics, part of Exact Sciences
Classification: Likely benign for PDK3-related condition. Last evaluated: 2026-08-14. Review status: criteria provided, single submitter. Criteria: ACMG Guidelines, 2015. Collection method: clinical testing. Allele origin: germline.
Comment: This variant is classified as likely benign based on ACMG/AMP sequence variant interpretation guidelines (Richards et al. 2015 PMID: 25741868, with internal and published modifications).